The following is an entry in ClinVar:

ClinVar aggregate classification (germline): Pathogenic. Review status: criteria provided, single submitter (1 of 4 stars). 2 submissions from 2 submitters: Pathogenic (1). 1 of the submissions does not count toward it. Last evaluated 2019-01-21.

Conditions:
Focal segmental glomerulosclerosis 1 (FSGS1). Identifiers: Orphanet 656, MedGen C4551527, MONDO:0011303, OMIM 603278.

Submissions (2):

Athena Diagnostics
Classification: Pathogenic. Last evaluated: 2019-01-21. Review status: criteria provided, single submitter. Criteria: Athena Diagnostics Criteria. Collection method: clinical testing. Allele origin: germline.
Comment: Not found in the total gnomAD dataset, and the data is high quality (0/282672 chr). Predicted to have a damaging effect on the protein. Damaging to protein function(s) relevant to disease mechanism. Strong co-segregation with disease in affected individuals from a single family.

OMIM
Classification: Pathogenic for FOCAL SEGMENTAL GLOMERULOSCLEROSIS 1. Last evaluated: 2000-03-01. Review status: no assertion criteria provided. Collection method: literature only. Allele origin: germline. Not counted in ClinVar's aggregate classification.

Literature cited by the submitters: PubMed 22351778 (cited by Athena Diagnostics); PubMed 10700177 (cited by Athena Diagnostics and OMIM); PubMed 16251236 (cited by Athena Diagnostics).

NM_004924.6(ACTN4):c.776C>T (p.Thr259Ile)

Gene: ACTN4 (actinin alpha 4; plus strand). Cytogenetic location: 19q13.2.
Variant type: single nucleotide variant.
Coding change: c.776C>T on transcript NM_004924.6 (MANE Select); coding-DNA position 776, C replaced by T.
Protein change: p.Thr259Ile; replaces threonine 259 with isoleucine.
Molecular consequence: missense variant. On other transcripts: intron variant (1).
Genome position (GRCh38, 1-based): chr19:38,710,299, C>T. VCF-style: chr19-38710299-C-T. GRCh37 (hg19) VCF-style: chr19-39200939-C-T.
Other names: T232I; c.733+823C>T (NM_001322033.2); short protein forms T259I.
Identifiers: ClinVar variation 5421 (VCV000005421.2), dbSNP rs121908416, ClinGen allele CA117533.